The following is an entry in ClinVar:

NM_014249.4(NR2E3):c.731del (p.Leu244fs)

Gene: NR2E3 (nuclear receptor subfamily 2 group E member 3; plus strand). Cytogenetic location: 15q23.
Variant type: Deletion.
Coding change: c.731del on transcript NM_014249.4 (MANE Select); coding-DNA position 731, one base deleted (T; older notation c.731delT).
Protein change: p.Leu244fs; shifts the reading frame from leucine 244.
Molecular consequence: frameshift variant.
Genome position (GRCh38, 1-based): chr15:71,812,495, T deleted. VCF-style (leftmost placement, unchanged base first): chr15-71812494-CT-C. GRCh37 (hg19) VCF-style: chr15-72104834-CT-C.
Other names: c.731del, p.Leu244fs (NM_016346.4); c.731delT (NM_014249.3); short protein forms L244fs.
Identifiers: ClinVar variation 1445894 (VCV001445894.10), dbSNP rs2140290184, ClinGen allele CA2573151147.
Genomic context (GRCh38, chr15:71,812,494, plus strand): 5'-TCGGCTCGCCTACTCTTCATGGCCGTCAAGTGGGCCAAGAACCTGCCTGTGTTCTCCAGC[CT>C]GCCCTTCCGGGATCAGGTACCTACCGGCCTGCCTGCTGGGGAGCTAGGCTGGGCTGGGGT-3'

ClinVar aggregate classification (germline): Pathogenic. Review status: criteria provided, multiple submitters, no conflicts (2 of 4 stars). 4 submissions from 4 submitters: Pathogenic (4). Last evaluated 2025-08-27.

Conditions:
Enhanced S-cone syndrome (ESCS). Identifiers: Orphanet 53540, MedGen C1849394, MONDO:0100288, MONDO:0009989.
ENHANCED S-CONE SYNDROME 1 (ESCS1). Also called: RETINOSCHISIS WITH EARLY HEMERALOPIA; FAVRE HYALOIDEORETINAL DEGENERATION. Identifiers: MedGen CN380299, OMIM 268100.

Submissions (4):

Myriad Genetics, Inc.
Classification: Pathogenic for ENHANCED S-CONE SYNDROME 1. Last evaluated: 2025-08-27. Review status: criteria provided, single submitter. Criteria: Myriad Autosomal Dominant, Autosomal Recessive and X-Linked Classification Criteria (2023). Collection method: clinical testing. Allele origin: unknown.
Comment: NM_014249.2(NR2E3):c.731delT(L244Rfs*7) is a frameshift variant classified as pathogenic in the context of enhanced S-cone syndrome. L244Rfs*7 has been observed in cases with relevant disease (PMID: 30902645, 37217489). Relevant functional assessments of this variant are not available in the literature. L244Rfs*7 has not been observed in referenced population frequency databases. In summary, NM_014249.2(NR2E3):c.731delT(L244Rfs*7) is a frameshift variant in a gene where loss of function is a known mechanism of disease, is predicted to disrupt protein function, and has been observed more frequently in cases with the relevant disease than in healthy populations. Please note: this variant was assessed in the context of healthy population screening.

Labcorp Genetics (formerly Invitae), Labcorp
Classification: Pathogenic. Last evaluated: 2025-03-06. Review status: criteria provided, single submitter. Criteria: Invitae Variant Classification Sherloc (09022015). Collection method: clinical testing. Allele origin: germline.
Comment: This sequence change creates a premature translational stop signal (p.Leu244Argfs*7) in the NR2E3 gene. It is expected to result in an absent or disrupted protein product. Loss-of-function variants in NR2E3 are known to be pathogenic (PMID: 15459973, 27522502). This variant is not present in population databases (gnomAD no frequency). This premature translational stop signal has been observed in individual(s) with autosomal recessive NR2E3-associated disorders (PMID: 30902645, 37217489). ClinVar contains an entry for this variant (Variation ID: 1445894). For these reasons, this variant has been classified as Pathogenic.

Natera, Inc.
Classification: Pathogenic for Enhanced S cone syndrome. Last evaluated: 2024-09-30. Review status: criteria provided, single submitter. Criteria: Natera Variant Classification Schema (03/2026). Collection method: clinical testing. Allele origin: germline.
Comment: The c.731delT variant in NR2E3 is a frameshift variant predicted to shift the reading frame beginning at codon 244 and leads to a stop codon 7 codons downstream. This variant is expected to result in nonsense mediated decay, truncation, or a dysfunctional protein product. This variant is rare in the general population with a frequency below the threshold expected for the associated phenotype(s). This variant has been observed to segregate in affected family members (PMID: 37217489). Given the available evidence, this variant is classified as Pathogenic.

Baylor Genetics
Classification: Pathogenic for ENHANCED S-CONE SYNDROME 1. Last evaluated: 2023-03-12. Review status: criteria provided, single submitter. Criteria: ACMG Guidelines, 2015. Collection method: clinical testing. Allele origin: unknown.

Literature cited by the submitters: PubMed 30902645 (cited by Myriad Genetics, Inc. and Labcorp Genetics (formerly Invitae), Labcorp); PubMed 37217489 (cited by 3 submitters); PubMed 15459973 (cited by Labcorp Genetics (formerly Invitae), Labcorp); PubMed 27522502 (cited by Labcorp Genetics (formerly Invitae), Labcorp).